The following is an entry in ClinVar:

ClinVar aggregate classification (germline): Pathogenic (1 of 4 stars; one submission).

Conditions:
Duchenne muscular dystrophy (DMD). Also called: MUSCULAR DYSTROPHY, PSEUDOHYPERTROPHIC PROGRESSIVE, DUCHENNE TYPE; Duchenne Muscular Dystrophy (DMD). Identifiers: Orphanet 98896, MedGen C0013264, MONDO:0010679, OMIM 310200.

Submission:

Labcorp Genetics (formerly Invitae), Labcorp
Classification: Pathogenic for Duchenne muscular dystrophy. Last evaluated: 2020-10-21. Review status: criteria provided, single submitter. Criteria: Invitae Variant Classification Sherloc (09022015). Collection method: clinical testing. Allele origin: germline.
Comment: This variant is an out-of-frame deletion of the genomic region encompassing exons 48-52 of the DMD gene. This creates a premature translational stop signal and is expected to result in an absent or disrupted protein product. This variant has been reported in several individuals affected with Becker muscular dystrophy (PMID: 8543940) and several individuals affected with Duchenne muscular dystrophy (PMID: 23299919, 26911353,9619643, 18752307, 15976104). Loss-of-function variants in DMD are known to be pathogenic (PMID: 16770791, 25007885). For these reasons, this variant has been classified as Pathogenic.

Literature cited by the submitters: PubMed 8543940; PubMed 23299919; PubMed 26911353; PubMed 9619643; PubMed 18752307; PubMed 15976104; PubMed 16770791; PubMed 25007885.

NC_000023.10:g.(?_31745485)_(31893510_?)del

Gene: DMD (dystrophin; minus strand). Cytogenetic location: Xp21.1.
Variant type: Deletion.
Identifiers: ClinVar variation 1072238 (VCV001072238.1).